The following is an entry in ClinVar:

NM_194248.3(OTOF):c.5491C>A (p.Gln1831Lys)

Gene: OTOF (otoferlin; minus strand). Cytogenetic location: 2p23.3.
Variant type: single nucleotide variant.
Coding change: c.5491C>A on transcript NM_194248.3 (MANE Select); coding-DNA position 5491, C replaced by A.
Protein change: p.Gln1831Lys; replaces glutamine 1831 with lysine.
Molecular consequence: missense variant.
Genome position (GRCh38, 1-based): chr2:26,461,738, G>T on the plus strand (C>A on the coding strand, the complement: OTOF is on the minus strand). VCF-style: chr2-26461738-G-T. GRCh37 (hg19) VCF-style: chr2-26684606-G-T.
Other names: c.3421C>A, p.Gln1141Lys (NM_194322.3); c.3190C>A, p.Gln1064Lys (NM_194323.3, NM_004802.4); c.5491C>A, p.Gln1831Lys (NM_001287489.2); short protein forms Q1064K, Q1141K, Q1831K.
Identifiers: ClinVar variation 4085274 (VCV004085274.8).
Genomic context (GRCh38, chr2:26,461,738, plus strand): 5'-CCCTGCCCTGCTCTGCACCCAGGAAGTCGTCAGCGGAGAAGTGGTCCGCATCCCAGATCT[G>T]CAGGGTGAGCCGCGCGGGGATCTTGTACTCGGTCTCGTCCCAGGAGAACATGGACTCCTT-3'
Protein context (NP_919224.1, residues 1821-1841): EYKIPARLTL[Gln1831Lys]IWDADHFSAD

ClinVar aggregate classification (germline): Uncertain significance (1 of 4 stars; one submission).

Submission:

CeGaT Center for Human Genetics Tuebingen
Classification: Uncertain significance. Last evaluated: 2025-06-01. Review status: criteria provided, single submitter. Criteria: CeGaT Center For Human Genetics Tuebingen Variant Classification Criteria Version 2. Collection method: clinical testing. Allele origin: germline. Affected: yes. Observed: 1 variant allele.
Comment: OTOF: PM2, PP3